The following is an entry in ClinVar:

ClinVar aggregate classification (germline): Uncertain significance (1 of 4 stars; one submission).

Conditions:
Immunodeficiency 51 (IMD51). Also called: CANDIDIASIS, FAMILIAL, 5. Identifiers: Orphanet 1334, MedGen C4310803, MONDO:0013500, OMIM 613953.

gnomAD v4.1: 1 of 1,588,598 alleles (0.000063%); highest among the groups gnomAD compares: African/African-American, 0.0013%; no homozygotes.

Submission:

Labcorp Genetics (formerly Invitae), Labcorp
Classification: Uncertain significance for Immunodeficiency 51. Last evaluated: 2022-08-19. Review status: criteria provided, single submitter. Criteria: Invitae Variant Classification Sherloc (09022015). Collection method: clinical testing. Allele origin: germline.
Comment: This sequence change replaces proline, which is neutral and non-polar, with alanine, which is neutral and non-polar, at codon 613 of the IL17RA protein (p.Pro613Ala). This variant is not present in population databases (gnomAD no frequency). This variant has not been reported in the literature in individuals affected with IL17RA-related conditions. Algorithms developed to predict the effect of missense changes on protein structure and function output the following: SIFT: "Tolerated"; PolyPhen-2: "Benign"; Align-GVGD: "Class C0". The alanine amino acid residue is found in multiple mammalian species, which suggests that this missense change does not adversely affect protein function. In summary, the available evidence is currently insufficient to determine the role of this variant in disease. Therefore, it has been classified as a Variant of Uncertain Significance.

NM_014339.7(IL17RA):c.1837C>G (p.Pro613Ala)

Gene: IL17RA (interleukin 17 receptor A; plus strand). Cytogenetic location: 22q11.1.
Variant type: single nucleotide variant.
Coding change: c.1837C>G on transcript NM_014339.7 (MANE Select); coding-DNA position 1837, C replaced by G.
Protein change: p.Pro613Ala; replaces proline 613 with alanine.
Molecular consequence: missense variant.
Genome position (GRCh38, 1-based): chr22:17,109,056, C>G. VCF-style: chr22-17109056-C-G. GRCh37 (hg19) VCF-style: chr22-17589946-C-G.
Other names: c.1735C>G, p.Pro579Ala (NM_001289905.2); short protein forms P579A, P613A.
Identifiers: ClinVar variation 1716985 (VCV001716985.3), dbSNP rs2061427507, ClinGen allele CA410219150.